The following is an entry in ClinVar:

ClinVar aggregate classification (germline): Uncertain significance. Review status: criteria provided, multiple submitters, no conflicts (2 of 4 stars). 2 submissions from 2 submitters: Uncertain significance (2). Last evaluated 2024-05-21.

Conditions:
Short-rib thoracic dysplasia 7 with or without polydactyly (SRTD7). Also called: Short rib polydactyly syndrome 5; SHORT-RIB THORACIC DYSPLASIA 7 WITH POLYDACTYLY. Identifiers: Orphanet 498497, Orphanet 93271, MedGen C3279792, MONDO:0013569, OMIM 614091.
Cranioectodermal dysplasia 2 (CED2). Identifiers: Orphanet 1515, MedGen C3150874, MONDO:0013323, OMIM 613610.

Allele frequency attached by ClinVar (database versions not stated): ExAC 0.00001; gnomAD exomes 0.00001.
gnomAD v4.1: 3 of 1,613,910 alleles (0.00019%); highest among the groups gnomAD compares: South Asian, 0.0011%; no homozygotes.

Submissions (2):

Fulgent Genetics
Classification: Uncertain significance for Cranioectodermal dysplasia 2; Short-rib thoracic dysplasia 7 with or without polydactyly. Last evaluated: 2024-05-21. Review status: criteria provided, single submitter. Criteria: ACMG Guidelines, 2015. Collection method: clinical testing. Allele origin: germline.

Labcorp Genetics (formerly Invitae), Labcorp
Classification: Uncertain significance for Cranioectodermal dysplasia 2; Short-rib thoracic dysplasia 7 with or without polydactyly. Last evaluated: 2022-05-12. Review status: criteria provided, single submitter. Criteria: Invitae Variant Classification Sherloc (09022015). Collection method: clinical testing. Allele origin: germline.
Comment: This variant is present in population databases (rs753374320, gnomAD 0.003%). This sequence change replaces tryptophan, which is neutral and slightly polar, with arginine, which is basic and polar, at codon 123 of the WDR35 protein (p.Trp123Arg). This variant has not been reported in the literature in individuals affected with WDR35-related conditions. In summary, the available evidence is currently insufficient to determine the role of this variant in disease. Therefore, it has been classified as a Variant of Uncertain Significance. Algorithms developed to predict the effect of missense changes on protein structure and function (SIFT, PolyPhen-2, Align-GVGD) all suggest that this variant is likely to be disruptive.

NM_020779.4(WDR35):c.367T>C (p.Trp123Arg)

Gene: WDR35 (WD repeat domain 35; minus strand). Cytogenetic location: 2p24.1.
Variant type: single nucleotide variant.
Coding change: c.367T>C on transcript NM_020779.4 (MANE Select); coding-DNA position 367, T replaced by C.
Protein change: p.Trp123Arg; replaces tryptophan 123 with arginine.
Molecular consequence: missense variant.
Genome position (GRCh38, 1-based): chr2:19,978,820, A>G on the plus strand (T>C on the coding strand, the complement: WDR35 is on the minus strand). VCF-style: chr2-19978820-A-G. GRCh37 (hg19) VCF-style: chr2-20178581-A-G.
Other names: c.367T>C, p.Trp123Arg (NM_001006657.2); short protein forms W123R.
Identifiers: ClinVar variation 2180640 (VCV002180640.5), dbSNP rs753374320, ClinGen allele CA1543551.